The following is an entry in ClinVar:

NM_001946.4(DUSP6):c.340G>T (p.Val114Leu)

Genes: DUSP6 (dual specificity phosphatase 6; minus strand), POC1B-DUSP6 (POC1B-DUSP6 readthrough; minus strand). Cytogenetic location: 12q21.33.
Variant type: single nucleotide variant.
Coding change: c.340G>T on transcript NM_001946.4 (MANE Select); coding-DNA position 340, G replaced by T.
Protein change: p.Val114Leu; replaces valine 114 with leucine.
Molecular consequence: missense variant.
Genome position (GRCh38, 1-based): chr12:89,351,700, C>A on the plus strand (G>T on the coding strand, the complement: DUSP6 is on the minus strand). VCF-style: chr12-89351700-C-A. GRCh37 (hg19) VCF-style: chr12-89745477-C-A.
Other names: c.340G>T (NM_001946.3); c.340G>T, p.Val114Leu (NM_022652.4); short protein forms V114L.
Identifiers: ClinVar variation 802882 (VCV000802882.14), dbSNP rs2279574, ClinGen allele CA6714072.

ClinVar aggregate classification (germline): Benign. Review status: criteria provided, multiple submitters, no conflicts (2 of 4 stars). 5 submissions from 5 submitters: Benign (5). Last evaluated 2026-02-04.

Conditions:
Hypogonadotropic hypogonadism 19 with or without anosmia (HH19). Also called: HYPOGONADOTROPIC HYPOGONADISM 19 WITH ANOSMIA, SUSCEPTIBILITY TO; HYPOGONADOTROPIC HYPOGONADISM 19 WITH ANOSMIA; HYPOGONADOTROPIC HYPOGONADISM 19 WITHOUT ANOSMIA. Identifiers: Orphanet 478, MedGen C3808981, MONDO:0014105, OMIM 615269.

Allele frequency attached by ClinVar (database versions not stated): gnomAD 0.48185; TOPMed 0.45409; 1000 Genomes Project 30x 0.46330; ExAC 0.53779; gnomAD exomes 0.52274; ESP Exome Variant Server 0.43161; 1000 Genomes Project 0.46625.

Submissions (5):

Labcorp Genetics (formerly Invitae), Labcorp
Classification: Benign. Last evaluated: 2026-02-04. Review status: criteria provided, single submitter. Criteria: Invitae Variant Classification Sherloc (09022015). Collection method: clinical testing. Allele origin: germline.

Genome-Nilou Lab
Classification: Benign for Hypogonadotropic hypogonadism 19 with or without anosmia. Last evaluated: 2021-07-30. Review status: criteria provided, single submitter. Criteria: ACMG Guidelines, 2015. Collection method: clinical testing. Allele origin: germline. Affected: no.

Mendelics
Classification: Benign for Hypogonadotropic hypogonadism 19 with or without anosmia. Last evaluated: 2019-05-28. Review status: criteria provided, single submitter. Criteria: Mendelics Assertion Criteria 2017. Collection method: clinical testing. Allele origin: unknown.

GeneDx
Classification: Benign. Last evaluated: 2018-08-09. Review status: criteria provided, single submitter. Criteria: GeneDx Variant Classification Process June 2021. Collection method: clinical testing. Allele origin: germline. Affected: yes.
Comment: This variant is associated with the following publications: (PMID: 22155192, 27346686)

Breakthrough Genomics
Classification: Benign. Review status: criteria provided, single submitter. Criteria: ACMG Guidelines, 2015. Collection method: not provided. Allele origin: germline. Inheritance: Autosomal dominant inheritance. Affected: yes.